The following is an entry in ClinVar:

ClinVar aggregate classification (germline): Uncertain significance (1 of 4 stars; one submission).

Conditions:
Cardiovascular phenotype. Identifiers: MedGen CN230736.

gnomAD v4.1: 1 of 1,373,884 alleles (0.000073%); highest among the groups gnomAD compares: Non-Finnish European, 0.000094%; no homozygotes.

Submission:

Ambry Genetics
Classification: Uncertain significance for Cardiovascular phenotype. Last evaluated: 2025-05-26. Review status: criteria provided, single submitter. Criteria: Ambry Variant Classification Scheme 2023. Collection method: clinical testing. Allele origin: germline.
Comment: The p.E127G variant (also known as c.380A>G), located in coding exon 1 of the HCN4 gene, results from an A to G substitution at nucleotide position 380. The glutamic acid at codon 127 is replaced by glycine, an amino acid with similar properties. This amino acid position is conserved. In addition, the in silico prediction for this alteration is inconclusive. Based on the available evidence, the clinical significance of this variant remains unclear.

NM_005477.3(HCN4):c.380A>G (p.Glu127Gly)

Gene: HCN4 (hyperpolarization activated cyclic nucleotide gated potassium channel 4; minus strand). Cytogenetic location: 15q24.1.
Variant type: single nucleotide variant.
Coding change: c.380A>G on transcript NM_005477.3 (MANE Select); coding-DNA position 380, A replaced by G.
Protein change: p.Glu127Gly; replaces glutamic acid 127 with glycine.
Molecular consequence: missense variant.
Genome position (GRCh38, 1-based): chr15:73,367,891, T>C on the plus strand (A>G on the coding strand, the complement: HCN4 is on the minus strand). VCF-style: chr15-73367891-T-C. GRCh37 (hg19) VCF-style: chr15-73660232-T-C.
Other names: short protein forms E127G.
Identifiers: ClinVar variation 4034015 (VCV004034015.1).